The following is an entry in ClinVar:

NM_015047.3(EMC1):c.1259G>A (p.Arg420Gln)

Genes: EMC1 (ER membrane protein complex subunit 1; minus strand), EMC1-AS1 (EMC1 antisense RNA 1; plus strand). Cytogenetic location: 1p36.13.
Variant type: single nucleotide variant.
Coding change: c.1259G>A on transcript NM_015047.3 (MANE Select); coding-DNA position 1259, G replaced by A.
Protein change: p.Arg420Gln; replaces arginine 420 with glutamine.
Molecular consequence: missense variant.
Genome position (GRCh38, 1-based): chr1:19,237,192, C>T on the plus strand (G>A on the coding strand, the complement: EMC1 is on the minus strand). VCF-style: chr1-19237192-C-T. GRCh37 (hg19) VCF-style: chr1-19563686-C-T.
Other names: c.1256G>A, p.Arg419Gln (NM_001271427.2, NM_001375821.1); c.1259G>A, p.Arg420Gln (NM_001271428.2, NM_001375820.1); c.1193G>A, p.Arg398Gln (NM_001271429.2); short protein forms R419Q, R398Q, R420Q.
Identifiers: ClinVar variation 1970131 (VCV001970131.5), dbSNP rs747400495, ClinGen allele CA652616.

ClinVar aggregate classification (germline): Uncertain significance (1 of 4 stars; one submission).

Allele frequency attached by ClinVar (database versions not stated): gnomAD 0.00001; TOPMed 0.00001; ExAC 0.00002.
gnomAD v4.1: 11 of 1,613,912 alleles (0.00068%); highest among the groups gnomAD compares: East Asian, 0.013%; no homozygotes.

Submission:

Labcorp Genetics (formerly Invitae), Labcorp
Classification: Uncertain significance. Last evaluated: 2022-10-06. Review status: criteria provided, single submitter. Criteria: Invitae Variant Classification Sherloc (09022015). Collection method: clinical testing. Allele origin: germline.
Comment: This sequence change replaces arginine, which is basic and polar, with glutamine, which is neutral and polar, at codon 420 of the EMC1 protein (p.Arg420Gln). This variant is present in population databases (rs747400495, gnomAD 0.002%). This variant has not been reported in the literature in individuals affected with EMC1-related conditions. Advanced modeling of protein sequence and biophysical properties (such as structural, functional, and spatial information, amino acid conservation, physicochemical variation, residue mobility, and thermodynamic stability) performed at Invitae indicates that this missense variant is not expected to disrupt EMC1 protein function. In summary, the available evidence is currently insufficient to determine the role of this variant in disease. Therefore, it has been classified as a Variant of Uncertain Significance.